The following is an entry in ClinVar:

ClinVar aggregate classification (germline): Conflicting classifications of pathogenicity. Review status: criteria provided, conflicting classifications (1 of 4 stars). 4 submissions from 4 submitters: Uncertain significance (3); Likely benign (1). Last evaluated 2026-04-13.

Conditions:
MYH9-related disorder. Identifiers: MedGen C1854520.
Macrothrombocytopenia and granulocyte inclusions with or without nephritis or sensorineural hearing loss (MATINS). Also called: SEBASTIAN PLATELET SYNDROME; MACROTHROMBOCYTOPENIA WITH DISPERSED LEUKOCYTIC INCLUSIONS; MACROTHROMBOCYTOPENIA, NEPHRITIS, AND DEAFNESS; MACROTHROMBOCYTOPENIA, NEPHRITIS, DEAFNESS, AND LEUKOCYTE INCLUSIONS; ALPORT SYNDROME WITH MACROTHROMBOCYTOPENIA; Fechtner syndrome. Identifiers: Orphanet 182050, MedGen C5200934, MONDO:0015912, OMIM 155100.
Autosomal dominant nonsyndromic hearing loss 17. Also called: Deafness, autosomal dominant 17; Autosomal dominant nonsyndromic deafness 17. Identifiers: Orphanet 90635, MedGen C1863659, MONDO:0011350, OMIM 603622.

Allele frequency attached by ClinVar (database versions not stated): gnomAD exomes 0.00002 and 0.00003; ExAC 0.00003; gnomAD 0.00004 and 0.00006; TOPMed 0.00004; 1000 Genomes Project 0.00040; 1000 Genomes Project 30x 0.00047.
gnomAD v4.1: 36 of 1,614,140 alleles (0.0022%); highest among the groups gnomAD compares: Admixed American, 0.058%; no homozygotes.

Submissions (4):

PreventionGenetics, part of Exact Sciences
Classification: Uncertain significance for MYH9-related condition. Last evaluated: 2026-04-13. Review status: criteria provided, single submitter. Criteria: ACMG Guidelines, 2015. Collection method: clinical testing. Allele origin: germline.
Comment: The MYH9 c.3022C>G variant is predicted to result in the amino acid substitution p.Leu1008Val. To our knowledge, this variant has not been reported in the literature. This variant is reported in 0.020% of alleles in individuals of Latino descent in gnomAD. Although we suspect that this variant may be benign, at this time, the clinical significance of this variant is uncertain due to the absence of conclusive functional and genetic evidence.

Labcorp Genetics (formerly Invitae), Labcorp
Classification: Likely benign. Last evaluated: 2025-12-11. Review status: criteria provided, single submitter. Criteria: Invitae Variant Classification Sherloc (09022015). Collection method: clinical testing. Allele origin: germline.

GeneDx
Classification: Uncertain significance. Last evaluated: 2022-11-15. Review status: criteria provided, single submitter. Criteria: GeneDx Variant Classification Process June 2021. Collection method: clinical testing. Allele origin: germline. Affected: yes.
Comment: In silico analysis supports that this missense variant does not alter protein structure/function; Has not been previously published as pathogenic or benign to our knowledge

Fulgent Genetics
Classification: Uncertain significance for Macrothrombocytopenia and granulocyte inclusions with or without nephritis or sensorineural hearing loss; Autosomal dominant nonsyndromic hearing loss 17. Last evaluated: 2021-12-08. Review status: criteria provided, single submitter. Criteria: ACMG Guidelines, 2015. Collection method: clinical testing. Allele origin: unknown.

NM_002473.6(MYH9):c.3022C>G (p.Leu1008Val)

Gene: MYH9 (myosin heavy chain 9; minus strand). Cytogenetic location: 22q12.3.
Variant type: single nucleotide variant.
Coding change: c.3022C>G on transcript NM_002473.6 (MANE Select); coding-DNA position 3022, C replaced by G.
Protein change: p.Leu1008Val; replaces leucine 1008 with valine.
Molecular consequence: missense variant.
Genome position (GRCh38, 1-based): chr22:36,298,997, G>C on the plus strand (C>G on the coding strand, the complement: MYH9 is on the minus strand). VCF-style: chr22-36298997-G-C. GRCh37 (hg19) VCF-style: chr22-36695043-G-C.
Other names: c.3022C>G (NM_002473.4, NM_002473.5); short protein forms L1008V.
Identifiers: ClinVar variation 1519109 (VCV001519109.10), dbSNP rs535649291, ClinGen allele CA10209777.